The following is an entry in ClinVar:

NM_023036.6(DNAI2):c.1494+10G>A

Gene: DNAI2 (dynein axonemal intermediate chain 2; plus strand). Cytogenetic location: 17q25.1.
Variant type: single nucleotide variant.
Coding change: c.1494+10G>A on transcript NM_023036.6 (MANE Select); 10 bases into the intron after coding-DNA position 1494, G replaced by A.
Molecular consequence: intron variant.
Genome position (GRCh38, 1-based): chr17:74,310,173, G>A. VCF-style: chr17-74310173-G-A. GRCh37 (hg19) VCF-style: chr17-72306312-G-A.
Other names: c.1494+10G>A (NM_001353167.2); c.1458+10G>A (NM_001172810.3).
Identifiers: ClinVar variation 2062234 (VCV002062234.1), dbSNP rs750207891, ClinGen allele CA8745793.

ClinVar aggregate classification (germline): Uncertain significance (1 of 4 stars; one submission).

Conditions:
Primary ciliary dyskinesia. Also called: Ciliary dyskinesia. Identifiers: Orphanet 244, MedGen C0008780, MONDO:0016575, HP:0012265.

Allele frequency attached by ClinVar (database versions not stated): gnomAD 0.00002; TOPMed 0.00002.
gnomAD v4.1: 26 of 1,612,654 alleles (0.0016%); highest among the groups gnomAD compares: Non-Finnish European, 0.0018%; no homozygotes.

Submission:

Labcorp Genetics (formerly Invitae), Labcorp
Classification: Uncertain significance for Primary ciliary dyskinesia. Last evaluated: 2022-05-28. Review status: criteria provided, single submitter. Criteria: Invitae Variant Classification Sherloc (09022015). Collection method: clinical testing. Allele origin: germline.
Comment: This sequence change falls in intron 11 of the DNAI2 gene. It does not directly change the encoded amino acid sequence of the DNAI2 protein. This variant is present in population databases (rs750207891, gnomAD 0.004%). This variant has not been reported in the literature in individuals affected with DNAI2-related conditions. Algorithms developed to predict the effect of sequence changes on RNA splicing suggest that this variant may create or strengthen a splice site. In summary, the available evidence is currently insufficient to determine the role of this variant in disease. Therefore, it has been classified as a Variant of Uncertain Significance.